The following is an entry in ClinVar:

ClinVar aggregate classification (germline): Benign. Review status: criteria provided, multiple submitters, no conflicts (2 of 4 stars). 2 submissions from 2 submitters: Benign (2). Last evaluated 2018-06-14.

Allele frequency attached by ClinVar (database versions not stated): gnomAD exomes 0.01250 and 0.02376; ExAC 0.02554; gnomAD 0.05406 and 0.05745; 1000 Genomes Project 0.05711; ESP Exome Variant Server 0.05813; 1000 Genomes Project 30x 0.05840; TOPMed 0.05846.

Submissions (2):

GeneDx
Classification: Benign. Last evaluated: 2018-06-14. Review status: criteria provided, single submitter. Criteria: GeneDx Variant Classification (06012015). Collection method: clinical testing. Allele origin: germline. Affected: yes.
Comment: This variant is considered likely benign or benign based on one or more of the following criteria: it is a conservative change, it occurs at a poorly conserved position in the protein, it is predicted to be benign by multiple in silico algorithms, and/or has population frequency not consistent with disease.

Breakthrough Genomics
Classification: Benign. Review status: criteria provided, single submitter. Criteria: ACMG Guidelines, 2015. Collection method: not provided. Allele origin: germline. Inheritance: Autosomal recessive inheritance. Affected: yes.

NM_006796.3(AFG3L2):c.1664-39G>A

Gene: AFG3L2 (AFG3 like matrix AAA peptidase subunit 2; minus strand). Cytogenetic location: 18p11.21.
Variant type: single nucleotide variant.
Coding change: c.1664-39G>A on transcript NM_006796.3 (MANE Select); 39 bases into the intron before coding-DNA position 1664, G replaced by A.
Molecular consequence: intron variant.
Genome position (GRCh38, 1-based): chr18:12,344,286, C>T on the plus strand (G>A on the coding strand, the complement: AFG3L2 is on the minus strand). VCF-style: chr18-12344286-C-T. GRCh37 (hg19) VCF-style: chr18-12344285-C-T.
Identifiers: ClinVar variation 673472 (VCV000673472.2), dbSNP rs75206140, ClinGen allele CA8896439.